The following is an entry in ClinVar:

NM_000091.5(COL4A3):c.1271G>T (p.Gly424Val)

Genes: MFF-DT (MFF divergent transcript; minus strand), COL4A3 (collagen type IV alpha 3 chain; plus strand). Cytogenetic location: 2q36.3.
Variant type: single nucleotide variant.
Coding change: c.1271G>T on transcript NM_000091.5 (MANE Select); coding-DNA position 1271, G replaced by T.
Protein change: p.Gly424Val; replaces glycine 424 with valine.
Molecular consequence: missense variant.
Genome position (GRCh38, 1-based): chr2:227,263,900, G>T. VCF-style: chr2-227263900-G-T. GRCh37 (hg19) VCF-style: chr2-228128616-G-T.
Other names: short protein forms G424V.
Identifiers: ClinVar variation 3234106 (VCV003234106.1), dbSNP rs2469634805, ClinGen allele CA350869415.
Genomic context (GRCh38, chr2:227,263,900, plus strand): 5'-GGGAACGAGGCCGCCCAGGAAAGGATGCCATGGGGACTCCTGGGTCCCCAGGTTGTGCTG[G>T]TTCACCAGGTCTTCCAGGATCACCGGGACCTCCAGGACCGCCAGGTAAAGATGTGGAAGG-3'
Protein context (NP_000082.2, residues 414-434): MGTPGSPGCA[Gly424Val]SPGLPGSPGP

ClinVar aggregate classification (germline): Likely pathogenic (1 of 4 stars; one submission).

Conditions:
Autosomal dominant Alport syndrome (ATS3A). Also called: Alport syndrome dominant type; Renal failure and sensorineural hearing loss; ALPORT SYNDROME 3A, AUTOSOMAL DOMINANT. Identifiers: Orphanet 63, Orphanet 88918, MedGen C5882663, MONDO:0007086, OMIM 104200.

Submission:

MVZ Medizinische Genetik Mainz
Classification: Likely pathogenic for Autosomal dominant Alport syndrome. Last evaluated: 2022-03-11. Review status: criteria provided, single submitter. Criteria: UK Practice Guidelines For Variant Classification V4 01 2020. Collection method: clinical testing. Allele origin: germline. Inheritance: Autosomal dominant inheritance. Affected: yes. Observed: 1 variant allele.
Comment: ACMG Criteria: PM1_STR, PM2_SUP, PP3, PP4 (ACMG Version 3)